The following is an entry in ClinVar:

NM_000993.5(RPL31):c.234-12T>A

Gene: RPL31 (ribosomal protein L31; plus strand). Cytogenetic location: 2q11.2.
Variant type: single nucleotide variant.
Coding change: c.234-12T>A on transcript NM_000993.5 (MANE Select); 12 bases into the intron before coding-DNA position 234, T replaced by A.
Molecular consequence: intron variant.
Genome position (GRCh38, 1-based): chr2:101,005,947, T>A. VCF-style: chr2-101005947-T-A. GRCh37 (hg19) VCF-style: chr2-101622409-T-A.
Other names: c.234-12T>A (NM_001098577.3, NM_001099693.2).
Identifiers: ClinVar variation 2026823 (VCV002026823.4), dbSNP rs552344974, ClinGen allele CA2580063698.
Genomic context (GRCh38, chr2:101,005,947, plus strand): 5'-TGTGAATACAGCTAGTGGCTGCTTGGTTGAAAGGAGGCATTGACTTCAGCAACACAATTA[T>A]GTTTTTATTAGGAATGTGCCATACCGAATCCGTGTGCGGCTGTCCAGAAAACGTAATGAG-3'

ClinVar aggregate classification (germline): Uncertain significance (1 of 4 stars; one submission).

Submission:

Labcorp Genetics (formerly Invitae), Labcorp
Classification: Uncertain significance. Last evaluated: 2022-08-24. Review status: criteria provided, single submitter. Criteria: Invitae Variant Classification Sherloc (09022015). Collection method: clinical testing. Allele origin: germline.
Comment: This sequence change falls in intron 3 of the RPL31 gene. It does not directly change the encoded amino acid sequence of the RPL31 protein. This variant is not present in population databases (gnomAD no frequency). This variant has not been reported in the literature in individuals affected with RPL31-related conditions. Algorithms developed to predict the effect of sequence changes on RNA splicing suggest that this variant may disrupt the consensus splice site. In summary, the available evidence is currently insufficient to determine the role of this variant in disease. Therefore, it has been classified as a Variant of Uncertain Significance.